The following is an entry in ClinVar:

NM_000836.4(GRIN2D):c.223G>A (p.Ala75Thr)

Gene: GRIN2D (glutamate ionotropic receptor NMDA type subunit 2D; plus strand). Cytogenetic location: 19q13.33.
Variant type: single nucleotide variant.
Coding change: c.223G>A on transcript NM_000836.4 (MANE Select); coding-DNA position 223, G replaced by A.
Protein change: p.Ala75Thr; replaces alanine 75 with threonine.
Molecular consequence: missense variant.
Genome position (GRCh38, 1-based): chr19:48,398,615, G>A. VCF-style: chr19-48398615-G-A. GRCh37 (hg19) VCF-style: chr19-48901872-G-A.
Other names: short protein forms A75T.
Identifiers: ClinVar variation 1677223 (VCV001677223.2), dbSNP rs2147434423, ClinGen allele CA406688571.
Genomic context (GRCh38, chr19:48,398,615, plus strand): 5'-CTCGTGTTCTCGGGGCCCGCGTACGCGGCCGAGGCGGCACGCCTGGGCCCGGCCGTGGCG[G>A]CGGCGGTGCGCAGCCCGGGCCTAGACGTGCGGCCCGTGGCGCTGGTGCTCAACGGCTCGG-3'
Protein context (NP_000827.2, residues 65-85): EAARLGPAVA[Ala75Thr]AVRSPGLDVR

ClinVar aggregate classification (germline): Uncertain significance. Review status: criteria provided, multiple submitters, no conflicts (2 of 4 stars). 2 submissions from 2 submitters: Uncertain significance (2). Last evaluated 2025-10-05.

Submissions (2):

Labcorp Genetics (formerly Invitae), Labcorp
Classification: Uncertain significance. Last evaluated: 2025-10-05. Review status: criteria provided, single submitter. Criteria: Invitae Variant Classification Sherloc (09022015). Collection method: clinical testing. Allele origin: germline.
Comment: This sequence change replaces alanine, which is neutral and non-polar, with threonine, which is neutral and polar, at codon 75 of the GRIN2D protein (p.Ala75Thr). The frequency data for this variant in the population databases is considered unreliable, as metrics indicate insufficient coverage at this position in the gnomAD database. This variant has not been reported in the literature in individuals affected with GRIN2D-related conditions. ClinVar contains an entry for this variant (Variation ID: 1677223). Invitae Evidence Modeling of protein sequence and biophysical properties (such as structural, functional, and spatial information, amino acid conservation, physicochemical variation, residue mobility, and thermodynamic stability) indicates that this missense variant is not expected to disrupt GRIN2D protein function with a negative predictive value of 80%. In summary, the available evidence is currently insufficient to determine the role of this variant in disease. Therefore, it has been classified as a Variant of Uncertain Significance.

Women's Health and Genetics/Laboratory Corporation of America, LabCorp
Classification: Uncertain significance. Last evaluated: 2022-03-31. Review status: criteria provided, single submitter. Criteria: LabCorp Variant Classification Summary - May 2015. Collection method: clinical testing. Allele origin: germline.
Comment: Variant summary: GRIN2D c.223G>A (p.Ala75Thr) results in a non-conservative amino acid change in the encoded protein sequence. Four of five in-silico tools predict a benign effect of the variant on protein function. The variant was absent in 4700 control chromosomes (gnomAD). The available data on variant occurrences in the general population are insufficient to allow any conclusion about variant significance. To our knowledge, no occurrence of c.223G>A in individuals affected with Epileptic Encephalopathy, Early Infantile, 46 and no experimental evidence demonstrating its impact on protein function have been reported. No clinical diagnostic laboratories have submitted clinical-significance assessments for this variant to ClinVar after 2014. Based on the evidence outlined above, the variant was classified as uncertain significance.